The following is an entry in ClinVar:

NM_000548.5(TSC2):c.604A>T (p.Ile202Phe)

Gene: TSC2 (TSC complex subunit 2; plus strand). Cytogenetic location: 16p13.3.
Variant type: single nucleotide variant.
Coding change: c.604A>T on transcript NM_000548.5 (MANE Select); coding-DNA position 604, A replaced by T.
Protein change: p.Ile202Phe; replaces isoleucine 202 with phenylalanine.
Molecular consequence: missense variant. On other transcripts: 5 prime UTR variant (10), non-coding transcript variant (5).
Genome position (GRCh38, 1-based): chr16:2,056,200, A>T. VCF-style: chr16-2056200-A-T. GRCh37 (hg19) VCF-style: chr16-2106201-A-T.
Other names: c.457A>T, p.Ile153Phe (NM_001406676.1, NM_001406679.1, NM_001318829.2 and 1 more transcripts); c.547A>T, p.Ile183Phe (NM_001406677.1); c.493A>T, p.Ile165Phe (NM_001406678.1, NM_001318827.2, NM_001406670.1); c.4A>T, p.Ile2Phe (NM_001406680.1, NM_001406682.1, NM_001406683.1 and 6 more transcripts); c.142A>T, p.Ile48Phe (NM_001406681.1); c.-828A>T (NM_001406689.1, NM_001406690.1, NM_001406691.1 and 3 more transcripts); c.-709A>T (NM_001406694.1, NM_001406695.1); c.-816A>T (NM_001406696.1); and 4 more; short protein forms I153F, I165F, I183F, I202F, I213F, I232F, I2F, I48F.
Identifiers: ClinVar variation 4802834 (VCV004802834.1).

ClinVar aggregate classification (germline): Uncertain significance (1 of 4 stars; one submission).

Conditions:
Tuberous sclerosis 2 (TSC2). Identifiers: Orphanet 805, MedGen C1860707, MONDO:0013199, OMIM 613254.

gnomAD v4.1: 1 of 1,613,884 alleles (0.000062%); highest among the groups gnomAD compares: Non-Finnish European, 0.000085%; no homozygotes.

Submission:

Labcorp Genetics (formerly Invitae), Labcorp
Classification: Uncertain significance for Tuberous sclerosis 2. Last evaluated: 2025-05-07. Review status: criteria provided, single submitter. Criteria: Invitae Variant Classification Sherloc (09022015). Collection method: clinical testing. Allele origin: germline.
Comment: This sequence change replaces isoleucine, which is neutral and non-polar, with phenylalanine, which is neutral and non-polar, at codon 202 of the TSC2 protein (p.Ile202Phe). This variant is not present in population databases (gnomAD no frequency). This variant has not been reported in the literature in individuals affected with TSC2-related conditions. Invitae Evidence Modeling of protein sequence and biophysical properties (such as structural, functional, and spatial information, amino acid conservation, physicochemical variation, residue mobility, and thermodynamic stability) indicates that this missense variant is not expected to disrupt TSC2 protein function with a negative predictive value of 95%. In summary, the available evidence is currently insufficient to determine the role of this variant in disease. Therefore, it has been classified as a Variant of Uncertain Significance.